The following is an entry in ClinVar:

ClinVar aggregate classification (germline): Uncertain significance (1 of 4 stars; one submission).

Submission:

Ambry Genetics
Classification: Uncertain significance. Last evaluated: 2023-04-28. Review status: criteria provided, single submitter. Criteria: Ambry Variant Classification Scheme 2023. Collection method: clinical testing. Allele origin: germline.
Comment: The p.K374M variant (also known as c.1121A>T), located in coding exon 12 of the PRKDC gene, results from an A to T substitution at nucleotide position 1121. The lysine at codon 374 is replaced by methionine, an amino acid with similar properties. This amino acid position is conserved. In addition, the in silico prediction for this alteration is inconclusive. Since supporting evidence is limited at this time, the clinical significance of this alteration remains unclear.

NM_006904.7(PRKDC):c.1121A>T (p.Lys374Met)

Gene: PRKDC (protein kinase, DNA-activated, catalytic subunit; minus strand). Cytogenetic location: 8q11.21.
Variant type: single nucleotide variant.
Coding change: c.1121A>T on transcript NM_006904.7 (MANE Select); coding-DNA position 1121, A replaced by T.
Protein change: p.Lys374Met; replaces lysine 374 with methionine.
Molecular consequence: missense variant.
Genome position (GRCh38, 1-based): chr8:47,936,510, T>A on the plus strand (A>T on the coding strand, the complement: PRKDC is on the minus strand). VCF-style: chr8-47936510-T-A. GRCh37 (hg19) VCF-style: chr8-48849070-T-A.
Other names: c.1121A>T, p.Lys374Met (NM_001081640.2); short protein forms K374M.
Identifiers: ClinVar variation 2564543 (VCV002564543.2), dbSNP rs2551879751, ClinGen allele CA371166387.